The following is an entry in ClinVar:

ClinVar aggregate classification (germline): Uncertain significance (1 of 4 stars; one submission).

Conditions:
Inborn genetic diseases. Identifiers: MedGen C0950123, MeSH D030342.

Submission:

Ambry Genetics
Classification: Uncertain significance for Inborn genetic diseases. Last evaluated: 2026-08-20. Review status: criteria provided, single submitter. Criteria: Ambry Variant Classification Scheme 2023. Collection method: clinical testing. Allele origin: germline.
Comment: The p.S245T variant (also known as c.734G>C), located in coding exon 2 of the SH2B3 gene, results from a G to C substitution at nucleotide position 734. The serine at codon 245 is replaced by threonine, an amino acid with similar properties. This amino acid position is conserved. In addition, this alteration is predicted to be tolerated by in silico analysis. Based on the available evidence, the clinical significance of this variant remains unclear.

NM_005475.3(SH2B3):c.734G>C (p.Ser245Thr)

Gene: SH2B3 (SH2B adaptor protein 3; plus strand). Cytogenetic location: 12q24.12.
Variant type: single nucleotide variant.
Coding change: c.734G>C on transcript NM_005475.3 (MANE Select); coding-DNA position 734, G replaced by C.
Protein change: p.Ser245Thr; replaces serine 245 with threonine.
Molecular consequence: missense variant.
Genome position (GRCh38, 1-based): chr12:111,446,754, G>C. VCF-style: chr12-111446754-G-C. GRCh37 (hg19) VCF-style: chr12-111884558-G-C.
Other names: c.128G>C, p.Ser43Thr (NM_001291424.1); short protein forms S43T, S245T.
Identifiers: ClinVar variation 5029509 (VCV005029509.1).